The following is an entry in ClinVar:

ClinVar aggregate classification (germline): Pathogenic/Likely pathogenic. Review status: criteria provided, multiple submitters, no conflicts (2 of 4 stars). 8 submissions from 7 submitters: Pathogenic (7); Likely pathogenic (1). Last evaluated 2026-09-10.

Conditions:
CFTR-related disorder (CFTR-RD). Also called: CFTR-related condition; CFTR-related disorders. Identifiers: MedGen C5924204, MONDO:7770004.
Cystic fibrosis (CF). Also called: MUCOVISCIDOSIS. Identifiers: Orphanet 586, MedGen C0010674, MONDO:0009061, OMIM 219700. Disease mechanism: loss of function.
Congenital bilateral aplasia of vas deferens from CFTR mutation (CBAVD). Identifiers: Orphanet 48, MedGen C0403814, MONDO:0010178, OMIM 277180. Disease mechanism: loss of function.

Allele frequency attached by ClinVar (database versions not stated): gnomAD exomes below 0.00001; TOPMed 0.00002; ESP Exome Variant Server 0.00008.
gnomAD v4.1: 2 of 1,613,054 alleles (0.00012%); highest among the groups gnomAD compares: African/African-American, 0.0027%; no homozygotes.

Submissions (8):

Ambry Genetics
Classification: Pathogenic for Cystic fibrosis. Last evaluated: 2026-09-10. Review status: criteria provided, single submitter. Criteria: Ambry Variant Classification Scheme 2023. Collection method: clinical testing. Allele origin: germline.
Comment: The p.S434* pathogenic mutation (also known as c.1301C>A), located in coding exon 10 of the CFTR gene, results from a C to A substitution at nucleotide position 1301. This changes the amino acid from a serine to a stop codon within coding exon 10. This variant is considered to be rare based on population cohorts in the Genome Aggregation Database (gnomAD). This alteration is expected to result in loss of function by premature protein truncation or nonsense-mediated mRNA decay. As such, this alteration is interpreted as a disease-causing mutation.

Labcorp Genetics (formerly Invitae), Labcorp
Classification: Pathogenic for Cystic fibrosis. Last evaluated: 2025-10-26. Review status: criteria provided, single submitter. Criteria: Invitae Variant Classification Sherloc (09022015). Collection method: clinical testing. Allele origin: germline.
Comment: This sequence change creates a premature translational stop signal (p.Ser434*) in the CFTR gene. It is expected to result in an absent or disrupted protein product. Loss-of-function variants in CFTR are known to be pathogenic (PMID: 1695717, 7691345, 9725922). The frequency data for this variant in the population databases is considered unreliable, as metrics indicate poor data quality at this position in the gnomAD database. This variant has not been reported in the literature in individuals affected with CFTR-related conditions. ClinVar contains an entry for this variant (Variation ID: 618946). For these reasons, this variant has been classified as Pathogenic.

Quest Diagnostics Nichols Institute San Juan Capistrano
Classification: Pathogenic. Last evaluated: 2025-10-03. Review status: criteria provided, single submitter. Criteria: Quest Diagnostics criteria. Collection method: clinical testing. Allele origin: unknown.
Comment: The CFTR c.1301C>A (p.Ser434*) variant causes the premature termination of CFTR protein synthesis. This variant has been reported in the published literature in individuals affected with cystic fibrosis (CF) or features of CF (PMIDs: 10923036 (2000), 23343000 (2013), 25122143 (2015), 33613790 (2021), 38937105 (2024), also see URLs: and an online resource). The frequency of this variant in the general population (Genome Aggregation Database) is consistent with pathogenicity. Based on the available information, this variant is classified as pathogenic.

Natera, Inc.
Classification: Likely pathogenic for CFTR-related disorders. Last evaluated: 2025-09-22. Review status: criteria provided, single submitter. Criteria: Natera Variant Classification Schema (03/2026). Collection method: clinical testing. Allele origin: germline.
Comment: The c.1301C>A variant in CFTR is a nonsense variant predicted to introduce a stop codon at amino acid 434. This variant is expected to result in nonsense mediated decay, truncation, or a dysfunctional protein product. This variant is rare in the general population with a frequency below the threshold expected for the associated phenotype(s). Given the available evidence, this variant is classified as Likely Pathogenic.

Baylor Genetics
Classification: Pathogenic for Cystic fibrosis. Last evaluated: 2023-06-22. Review status: criteria provided, single submitter. Criteria: ACMG Guidelines, 2015. Collection method: clinical testing. Allele origin: unknown.

Women's Health and Genetics/Laboratory Corporation of America, LabCorp
Classification: Pathogenic for Cystic fibrosis. Last evaluated: 2022-09-14. Review status: criteria provided, single submitter. Criteria: LabCorp Variant Classification Summary - May 2015. Collection method: clinical testing. Allele origin: germline.
Comment: Variant summary: CFTR c.1301C>A (p.Ser434X) results in a premature termination codon, predicted to cause a truncation of the encoded protein or absence of the protein due to nonsense mediated decay, which are commonly known mechanisms for disease. Truncations downstream of this position have been classified as pathogenic by our laboratory. The variant was absent in 244760 control chromosomes. c.1301C>A has been reported in the literature in individuals affected with Cystic Fibrosis (eg. Ridge_2013, Cambara_2021, Claustres_2000). To our knowledge, no experimental evidence demonstrating an impact on protein function has been reported. One clinical diagnostic laboratory has submitted clinical-significance assessments for this variant to ClinVar after 2014 without evidence for independent evaluation. One laboratory classified the variant as pathogenic. Based on the evidence outlined above, the variant was classified as pathogenic.

Mendelics
Classification: Pathogenic for Cystic fibrosis. Last evaluated: 2018-11-05. Review status: criteria provided, single submitter. Criteria: Mendelics Assertion Criteria 2017. Collection method: clinical testing. Allele origin: unknown. Affected: yes.

Baylor Genetics
Classification: Pathogenic for Congenital bilateral aplasia of vas deferens from CFTR mutation; Cystic fibrosis. Review status: criteria provided, single submitter. Criteria: ACMG Guidelines, 2015. Collection method: clinical testing. Allele origin: germline.

Literature cited by the submitters: PubMed 1695717 (cited by Labcorp Genetics (formerly Invitae), Labcorp); PubMed 7691345 (cited by Labcorp Genetics (formerly Invitae), Labcorp); PubMed 9725922 (cited by Labcorp Genetics (formerly Invitae), Labcorp); PubMed 33613790 (cited by Quest Diagnostics Nichols Institute San Juan Capistrano and Women's Health and Genetics/Laboratory Corporation of America, LabCorp); PubMed 23343000 (cited by Quest Diagnostics Nichols Institute San Juan Capistrano and Women's Health and Genetics/Laboratory Corporation of America, LabCorp); PubMed 10923036 (cited by Quest Diagnostics Nichols Institute San Juan Capistrano and Women's Health and Genetics/Laboratory Corporation of America, LabCorp); PubMed 25122143 (cited by Quest Diagnostics Nichols Institute San Juan Capistrano); PubMed 38509072 (cited by Quest Diagnostics Nichols Institute San Juan Capistrano); PubMed 38937105 (cited by Quest Diagnostics Nichols Institute San Juan Capistrano).

NM_000492.4(CFTR):c.1301C>A (p.Ser434Ter)

Genes: CFTR (CF transmembrane conductance regulator; plus strand), CFTR-AS1 (CFTR antisense RNA 1; minus strand). Cytogenetic location: 7q31.2.
Variant type: single nucleotide variant.
Coding change: c.1301C>A on transcript NM_000492.4 (MANE Select); coding-DNA position 1301, C replaced by A.
Protein change: p.Ser434Ter; replaces serine 434 with a stop codon.
Molecular consequence: nonsense.
Genome position (GRCh38, 1-based): chr7:117,548,732, C>A. VCF-style: chr7-117548732-C-A. GRCh37 (hg19) VCF-style: chr7-117188786-C-A.
Other names: short protein forms S434*.
Identifiers: ClinVar variation 618946 (VCV000618946.15), dbSNP rs367934560, ClinGen allele CA164960291.
Genomic context (GRCh38, chr7:117,548,732, plus strand): 5'-AAAACAATAACAATAGAAAAACTTCTAATGGTGATGACAGCCTCTTCTTCAGTAATTTCT[C>A]ACTTCTTGGTACTCCTGTCCTGAAAGATATTAATTTCAAGATAGAAAGAGGACAGTTGTT-3'